The following is an entry in ClinVar:

NM_207034.3(EDN3):c.*165A>G

Gene: EDN3 (endothelin 3; plus strand). Cytogenetic location: 20q13.32.
Variant type: single nucleotide variant.
Coding change: c.*165A>G on transcript NM_207034.3 (MANE Select); 165 bases downstream of the stop codon, A replaced by G.
Molecular consequence: 3 prime UTR variant.
Genome position (GRCh38, 1-based): chr20:59,324,624, A>G. VCF-style: chr20-59324624-A-G. GRCh37 (hg19) VCF-style: chr20-57899679-A-G.
Other names: c.*289A>G (NM_001302455.2); c.*257A>G (NM_001302456.2, NM_207032.3); c.*165A>G (NM_207033.3).
Identifiers: ClinVar variation 895751 (VCV000895751.6), dbSNP rs11570353, ClinGen allele CA316926539.

ClinVar aggregate classification (germline): Benign/Likely benign. Review status: criteria provided, multiple submitters, no conflicts (2 of 4 stars). 2 submissions from 2 submitters: Benign (1); Likely benign (1). Last evaluated 2019-04-24.

Conditions:
Hirschsprung disease, susceptibility to, 4. Identifiers: Orphanet 388, MedGen C3150975, MONDO:0013384, OMIM 613712.

Allele frequency attached by ClinVar (database versions not stated): gnomAD exomes 0.00069; 1000 Genomes Project 30x 0.00562; 1000 Genomes Project 0.00579; gnomAD 0.00658 and 0.00713; TOPMed 0.00757.
gnomAD v4.1: 1,544 of 933,948 alleles (0.17%); highest among the groups gnomAD compares: African/African-American, 2.3%; 18 homozygotes.

Submissions (2):

GeneDx
Classification: Likely benign. Last evaluated: 2019-04-24. Review status: criteria provided, single submitter. Criteria: GeneDx Variant Classification Process June 2021. Collection method: clinical testing. Allele origin: germline. Affected: yes.

Illumina Laboratory Services, Illumina
Classification: Benign for Hirschsprung disease, susceptibility to, 4. Last evaluated: 2018-01-13. Review status: criteria provided, single submitter. Criteria: ICSL Variant Classification Criteria 13 December 2019. Collection method: clinical testing. Allele origin: germline.
Comment: This variant was observed in the ICSL laboratory as part of a predisposition screen in an ostensibly healthy population. It had not been previously curated by ICSL or reported in the Human Gene Mutation Database (HGMD: prior to June 1st, 2018), and was therefore a candidate for classification through an automated scoring system. Utilizing variant allele frequency, disease prevalence and penetrance estimates, and inheritance mode, an automated score was calculated to assess if this variant is too frequent to cause the disease. Based on the score and internal cut-off values, a variant classified as benign is not then subjected to further curation. The score for this variant resulted in a classification of benign for this disease.